The following is an entry in ClinVar:

ClinVar aggregate classification (germline): Pathogenic/Likely pathogenic. Review status: criteria provided, multiple submitters, no conflicts (2 of 4 stars). 5 submissions from 5 submitters: Pathogenic (2); Likely pathogenic (3). Last evaluated 2026-01-30.

Conditions:
Wilson disease (WND). Also called: Wilson's disease. Identifiers: Orphanet 905, MedGen C0019202, MONDO:0010200, OMIM 277900. Disease mechanism: loss of function.

Allele frequency attached by ClinVar (database versions not stated): gnomAD 0.00001; TOPMed 0.00001.
gnomAD v4.1: 4 of 1,575,280 alleles (0.00025%); highest among the groups gnomAD compares: African/African-American, 0.0013%; no homozygotes.

Submissions (5):

Natera, Inc.
Classification: Likely pathogenic for Wilson disease. Last evaluated: 2026-01-30. Review status: criteria provided, single submitter. Criteria: Natera Variant Classification Schema (03/2026). Collection method: clinical testing. Allele origin: germline.
Comment: The c.3060+5G>T variant in ATP7B is an intronic variant located outside the canonical splice sites. This variant is rare in the general population with a frequency below the threshold expected for the associated phenotype(s). This variant has been observed in one or more individuals affected with the associated recessive disease, as either homozygous or compound heterozygous with a second variant (PMID: 15952988, 17300695, 30232804, 33640437). Additionally, this variant has been observed to segregate in affected family members (PMID: 17300695). Computational prediction algorithms indicate this variant is likely to affect gene or protein function. Given the available evidence, this variant is classified as Likely Pathogenic.

Labcorp Genetics (formerly Invitae), Labcorp
Classification: Pathogenic for Wilson disease. Last evaluated: 2025-05-19. Review status: criteria provided, single submitter. Criteria: Invitae Variant Classification Sherloc (09022015). Collection method: clinical testing. Allele origin: germline.
Comment: This sequence change falls in intron 13 of the ATP7B gene. It does not directly change the encoded amino acid sequence of the ATP7B protein. It affects a nucleotide within the consensus splice site. This variant is not present in population databases (gnomAD no frequency). This variant has been observed in individual(s) with Wilson disease (PMID: 15952988, 30232804). ClinVar contains an entry for this variant (Variation ID: 938337). Variants that disrupt the consensus splice site are a relatively common cause of aberrant splicing (PMID: 17576681, 9536098). Algorithms developed to predict the effect of sequence changes on RNA splicing suggest that this variant may disrupt the consensus splice site. For these reasons, this variant has been classified as Pathogenic.

All of Us Research Program, National Institutes of Health
Classification: Likely pathogenic for Wilson disease. Last evaluated: 2024-06-11. Review status: criteria provided, single submitter. Criteria: ACMG Guidelines, 2015. Collection method: clinical testing. Allele origin: germline. Inheritance: Autosomal recessive inheritance. Observed: 3 variant alleles, 3 heterozygotes.
Comment: This variant causes a G to T nucleotide substitution at the +5 position of intron 13 of the ATP7B gene. Splice site prediction tools predict that this variant may have a significant impact on RNA splicing. To our knowledge, RNA studies have not been reported for this variant. This variant has been reported in individuals affected with Wilson disease (PMID: 15952988, 17300695, 30232804, 33260258), including in the homozygous state in two siblings (PMID: 17300695), in one individual in the compound heterozygous state with with a pathogenic variant in the ATP7B gene (PMID: 15952988), and in one individual in unknown phase with a pathogenic variant in the ATP7B gene (PMID: 30232804). This variant has not been identified in the general population by the Genome Aggregation Database (gnomAD). Based on the available evidence, this variant is classified as Likely Pathogenic.

This study involves interpretation of variants in research participants for the purpose of population health screening. Participant phenotype was not available at the time of variant classification. Additional details can be found in publication PMID: 35346344, PMCID: PMC8962531

Baylor Genetics
Classification: Likely pathogenic for Wilson disease. Last evaluated: 2023-12-30. Review status: criteria provided, single submitter. Criteria: ACMG Guidelines, 2015. Collection method: clinical testing. Allele origin: unknown.

Women's Health and Genetics/Laboratory Corporation of America, LabCorp
Classification: Pathogenic for Wilson disease. Last evaluated: 2023-03-24. Review status: criteria provided, single submitter. Criteria: LabCorp Variant Classification Summary - May 2015. Collection method: clinical testing. Allele origin: germline.
Comment: Variant summary: ATP7B c.3060+5G>T alters a non-conserved nucleotide located close to a canonical splice site and therefore could affect mRNA splicing, leading to a significantly altered protein sequence. Several computational tools predict a significant impact on normal splicing: Two predict the variant abolishes the canonical 5' splicing donor site. Two predict the variant weakens the canonical 5' donor site. However, these predictions have yet to be confirmed by functional studies. The variant allele was found at a frequency of 2e-05 in 197916 control chromosomes (gnomAD and publication data). c.3060+5G>T has been reported in the literature in multiple individuals affected with Wilson Disease, including two homozygotes (Margarit_2005, Brage_2007, Ferenci_2019). These data indicate that the variant is very likely to be associated with disease. To our knowledge, no experimental evidence demonstrating an impact on protein function has been reported. Two clinical diagnostic laboratories have submitted clinical-significance assessments for this variant to ClinVar after 2014and classified the variant as pathogenic/likely pathogenic. Based on the evidence outlined above, the variant was classified as pathogenic.

Literature cited by the submitters: PubMed 15952988 (cited by 4 submitters); PubMed 17300695 (cited by 3 submitters); PubMed 30232804 (cited by 4 submitters); PubMed 33640437 (cited by Natera, Inc.); PubMed 17576681 (cited by Labcorp Genetics (formerly Invitae), Labcorp); PubMed 9536098 (cited by Labcorp Genetics (formerly Invitae), Labcorp); PubMed 33260258 (cited by All of Us Research Program, National Institutes of Health and Women's Health and Genetics/Laboratory Corporation of America, LabCorp); PubMed 31059521 (cited by Women's Health and Genetics/Laboratory Corporation of America, LabCorp).

NM_000053.4(ATP7B):c.3060+5G>T

Gene: ATP7B (ATPase copper transporting beta; minus strand). Cytogenetic location: 13q14.3.
Variant type: single nucleotide variant.
Coding change: c.3060+5G>T on transcript NM_000053.4 (MANE Select); 5 bases into the intron after coding-DNA position 3060, G replaced by T.
Molecular consequence: intron variant.
Genome position (GRCh38, 1-based): chr13:51,946,279, C>A on the plus strand (G>T on the coding strand, the complement: ATP7B is on the minus strand). VCF-style: chr13-51946279-C-A. GRCh37 (hg19) VCF-style: chr13-52520415-C-A.
Other names: c.2727+5G>T (NM_001243182.2); c.2439+5G>T (NM_001005918.3); c.2808+5G>T (NM_001330579.2); c.2826+5G>T (NM_001330578.2).
Identifiers: ClinVar variation 938337 (VCV000938337.20), dbSNP rs1353373400, ClinGen allele CA698886559.